The following is an entry in ClinVar:

NM_001673.5(ASNS):c.594C>T (p.Ser198=)

Genes: ASNS (asparagine synthetase (glutamine-hydrolyzing); minus strand), CZ1P-ASNS (CZ1P-ASNS readthrough; minus strand). Cytogenetic location: 7q21.3.
Variant type: single nucleotide variant.
Coding change: c.594C>T on transcript NM_001673.5 (MANE Select); coding-DNA position 594, C replaced by T.
Protein change: p.Ser198=; no amino-acid change (serine 198 retained).
Molecular consequence: synonymous variant. On other transcripts: non-coding transcript variant (1).
Genome position (GRCh38, 1-based): chr7:97,859,292, G>A on the plus strand (C>T on the coding strand, the complement: ASNS is on the minus strand). VCF-style: chr7-97859292-G-A. GRCh37 (hg19) VCF-style: chr7-97488604-G-A.
Other names: c.531C>T, p.Ser177= (NM_001178075.2); c.345C>T, p.Ser115= (NM_001178076.2, NM_001178077.1); c.594C>T, p.Ser198= (NM_001352496.2, NM_183356.4, NM_133436.3).
Identifiers: ClinVar variation 797303 (VCV000797303.13), dbSNP rs527301530, ClinGen allele CA4354741.

ClinVar aggregate classification (germline): Likely benign. Review status: criteria provided, single submitter (1 of 4 stars). 3 submissions from 3 submitters: Likely benign (1). 2 of the submissions do not count toward it. Last evaluated 2025-12-26.

Conditions:
ASNS-related disorder. Also called: ASNS-related condition.
Congenital microcephaly - severe encephalopathy - progressive cerebral atrophy syndrome. Also called: ASNS DEFICIENCY; Asparagine synthetase deficiency. Identifiers: Orphanet 391376, MedGen C3809971, MONDO:0014258, OMIM 615574.

Allele frequency attached by ClinVar (database versions not stated): gnomAD exomes 0.00001 and 0.00005; gnomAD 0.00002 and 0.00005; TOPMed 0.00004; ExAC 0.00006; 1000 Genomes Project 30x 0.00047; 1000 Genomes Project 0.00060.
gnomAD v4.1: 32 of 1,614,088 alleles (0.002%); highest among the groups gnomAD compares: East Asian, 0.029%; no homozygotes.

Submissions (3):

Labcorp Genetics (formerly Invitae), Labcorp
Classification: Likely benign. Last evaluated: 2025-12-26. Review status: criteria provided, single submitter. Criteria: Invitae Variant Classification Sherloc (09022015). Collection method: clinical testing. Allele origin: germline.

Natera, Inc.
Classification: Likely benign for Asparagine synthetase deficiency. Last evaluated: 2020-10-01. Review status: no assertion criteria provided. Collection method: clinical testing. Allele origin: germline. Not counted in ClinVar's aggregate classification.

PreventionGenetics, part of Exact Sciences
Classification: Likely benign for ASNS-related condition. Last evaluated: 2019-06-20. Review status: no assertion criteria provided. Collection method: clinical testing. Allele origin: germline. Not counted in ClinVar's aggregate classification.
Comment: This variant is classified as likely benign based on ACMG/AMP sequence variant interpretation guidelines (Richards et al. 2015 PMID: 25741868, with internal and published modifications).